The following is an entry in ClinVar:

ClinVar aggregate classification (germline): Uncertain significance. Review status: criteria provided, multiple submitters, no conflicts (2 of 4 stars). 3 submissions from 3 submitters: Uncertain significance (3). Last evaluated 2025-05-22.

Conditions:
Cardiomyopathy (CMYO). Also called: Cardiomyopathies. Identifiers: Orphanet 167848, MedGen C0878544, MONDO:0004994, HP:0001638. Inheritance: Various modes of inheritance.
Catecholaminergic polymorphic ventricular tachycardia 1. Also called: VENTRICULAR TACHYCARDIA, CATECHOLAMINERGIC POLYMORPHIC, 1, WITH OR WITHOUT ATRIAL DYSFUNCTION AND/OR DILATED CARDIOMYOPATHY; RYR2-Related Catecholaminergic Polymorphic Ventricular Tachycardia; VENTRICULAR TACHYCARDIA, STRESS-INDUCED POLYMORPHIC 1. Identifiers: Orphanet 3286, MedGen C1631597, MONDO:0011484, OMIM 604772.

Allele frequency attached by ClinVar (database versions not stated): gnomAD exomes below 0.00001; TOPMed below 0.00001; gnomAD 0.00001.
gnomAD v4.1: 3 of 1,505,936 alleles (0.0002%); highest among the groups gnomAD compares: Non-Finnish European, 0.00027%; no homozygotes.

Submissions (3):

Labcorp Genetics (formerly Invitae), Labcorp
Classification: Uncertain significance for Catecholaminergic polymorphic ventricular tachycardia 1. Last evaluated: 2025-05-22. Review status: criteria provided, single submitter. Criteria: Invitae Variant Classification Sherloc (09022015). Collection method: clinical testing. Allele origin: germline.
Comment: This sequence change replaces methionine, which is neutral and non-polar, with valine, which is neutral and non-polar, at codon 494 of the RYR2 protein (p.Met494Val). This variant is not present in population databases (gnomAD no frequency). This variant has not been reported in the literature in individuals affected with RYR2-related conditions. ClinVar contains an entry for this variant (Variation ID: 2505014). Invitae Evidence Modeling of protein sequence and biophysical properties (such as structural, functional, and spatial information, amino acid conservation, physicochemical variation, residue mobility, and thermodynamic stability) indicates that this missense variant is not expected to disrupt RYR2 protein function with a negative predictive value of 95%. In summary, the available evidence is currently insufficient to determine the role of this variant in disease. Therefore, it has been classified as a Variant of Uncertain Significance.

Color Diagnostics, LLC DBA Color Health
Classification: Uncertain significance for Cardiomyopathy. Last evaluated: 2024-06-17. Review status: criteria provided, single submitter. Criteria: ACMG Guidelines, 2015. Collection method: clinical testing. Allele origin: germline.
Comment: This missense variant replaces methionine with valine at codon 494 of the RYR2 protein. Computational prediction is inconclusive regarding the impact of this variant on protein structure and function (internally defined REVEL score threshold 0.5 < inconclusive < 0.7, PMID: 27666373). To our knowledge, functional studies have not been reported for this variant. This variant has not been reported in individuals affected with RYR2-related disorders in the literature. This variant has not been identified in the general population by the Genome Aggregation Database (gnomAD). The available evidence is insufficient to determine the role of this variant in disease conclusively. Therefore, this variant is classified as a Variant of Uncertain Significance.

GeneDx
Classification: Uncertain significance. Last evaluated: 2022-12-08. Review status: criteria provided, single submitter. Criteria: GeneDx Variant Classification Process June 2021. Collection method: clinical testing. Allele origin: germline. Affected: yes.
Comment: Has not been previously published as pathogenic or benign to our knowledge; Not observed at significant frequency in large population cohorts (gnomAD); Not located in one of the three hot-spot regions of the RYR2 gene, where the majority of pathogenic missense variants occur (Medeiros-Domingo et al., 2009); In silico analysis supports that this missense variant does not alter protein structure/function

NM_001035.3(RYR2):c.1480A>G (p.Met494Val)

Gene: RYR2 (ryanodine receptor 2; plus strand). Cytogenetic location: 1q43.
Variant type: single nucleotide variant.
Coding change: c.1480A>G on transcript NM_001035.3 (MANE Select); coding-DNA position 1480, A replaced by G.
Protein change: p.Met494Val; replaces methionine 494 with valine.
Molecular consequence: missense variant.
Genome position (GRCh38, 1-based): chr1:237,456,603, A>G. VCF-style: chr1-237456603-A-G. GRCh37 (hg19) VCF-style: chr1-237619903-A-G.
Other names: short protein forms M494V.
Identifiers: ClinVar variation 2505014 (VCV002505014.4), dbSNP rs1209489468, ClinGen allele CA345381167.
Genomic context (GRCh38, chr1:237,456,603, plus strand): 5'-AGCAGAATGACAGTTTTGGATGTCTGATTGTGATTTTTTTTTTTTTTAACGTTCCAGGGA[A>G]TGATCAACCTCGTGCTTGAGTGCATAGACCGTTTGCACGTCTACAGCAGTGCAGCACACT-3'
Protein context (NP_001026.2, residues 484-504): NRQNLFQEEG[Met494Val]INLVLECIDR